The following is an entry in ClinVar:

ClinVar aggregate classification (germline): Uncertain significance (1 of 4 stars; one submission).

Conditions:
Hereditary cancer-predisposing syndrome. Also called: Tumor predisposition; Hereditary Cancer Syndrome; Hereditary neoplastic syndrome; Neoplastic Syndromes, Hereditary. Identifiers: Orphanet 140162, MedGen C0027672, MeSH D009386, MONDO:0015356.

Submission:

Ambry Genetics
Classification: Uncertain significance for Hereditary cancer-predisposing syndrome. Last evaluated: 2025-11-29. Review status: criteria provided, single submitter. Criteria: Ambry Variant Classification Scheme 2023. Collection method: clinical testing. Allele origin: germline.
Comment: The p.M52T variant (also known as c.155T>C), located in coding exon 1 of the CDKN1B gene, results from a T to C substitution at nucleotide position 155. The methionine at codon 52 is replaced by threonine, an amino acid with similar properties. This amino acid position is conserved. In addition, the in silico prediction for this alteration is inconclusive. Since supporting evidence is limited at this time, the clinical significance of this alteration remains unclear.

NM_004064.5(CDKN1B):c.155T>C (p.Met52Thr)

Gene: CDKN1B (cyclin dependent kinase inhibitor 1B; plus strand). Cytogenetic location: 12p13.1.
Variant type: single nucleotide variant.
Coding change: c.155T>C on transcript NM_004064.5 (MANE Select); coding-DNA position 155, T replaced by C.
Protein change: p.Met52Thr; replaces methionine 52 with threonine.
Molecular consequence: missense variant.
Genome position (GRCh38, 1-based): chr12:12,717,994, T>C. VCF-style: chr12-12717994-T-C. GRCh37 (hg19) VCF-style: chr12-12870928-T-C.
Other names: short protein forms M52T.
Identifiers: ClinVar variation 2592352 (VCV002592352.3), dbSNP rs543122580, ClinGen allele CA383969024.
Genomic context (GRCh38, chr12:12,717,994, plus strand): 5'-TCTTCGGCCCGGTGGACCACGAAGAGTTAACCCGGGACTTGGAGAAGCACTGCAGAGACA[T>C]GGAAGAGGCGAGCCAGCGCAAGTGGAATTTCGATTTTCAGAATCACAAACCCCTAGAGGG-3'
Protein context (NP_004055.1, residues 42-62): TRDLEKHCRD[Met52Thr]EEASQRKWNF